The following is an entry in ClinVar:

NM_001166108.2(PALLD):c.2981G>A (p.Arg994His)

Genes: CBR4 (carbonyl reductase 4; minus strand), PALLD (palladin, cytoskeletal associated protein; plus strand). Cytogenetic location: 4q32.3.
Variant type: single nucleotide variant.
Coding change: c.2981G>A on transcript NM_001166108.2 (MANE Select); coding-DNA position 2981, G replaced by A.
Protein change: p.Arg994His; replaces arginine 994 with histidine.
Molecular consequence: missense variant.
Genome position (GRCh38, 1-based): chr4:168,921,664, G>A. VCF-style: chr4-168921664-G-A. GRCh37 (hg19) VCF-style: chr4-169842815-G-A.
Other names: c.1784G>A, p.Arg595His (NM_001166109.2); c.1469G>A, p.Arg490His (NM_001166110.2); c.809G>A, p.Arg270His (NM_001367567.1, NM_001367569.1); c.860G>A, p.Arg287His (NM_001367568.1, NM_001367570.1); c.2930G>A, p.Arg977His (NM_016081.4); short protein forms R270H, R994H, R287H, R490H, R595H, R977H.
Identifiers: ClinVar variation 1348213 (VCV001348213.10), dbSNP rs1010581356, ClinGen allele CA109860625.

ClinVar aggregate classification (germline): Uncertain significance. Review status: criteria provided, multiple submitters, no conflicts (2 of 4 stars). 2 submissions from 2 submitters: Uncertain significance (2). Last evaluated 2024-01-01.

Conditions:
Pancreatic adenocarcinoma. Identifiers: MedGen C0281361, MONDO:0006047, HP:0006725.

Allele frequency attached by ClinVar (database versions not stated): gnomAD exomes below 0.00001; TOPMed 0.00001.
gnomAD v4.1: 6 of 1,610,690 alleles (0.00037%); highest among the groups gnomAD compares: South Asian, 0.0011%; no homozygotes.

Submissions (2):

Ambry Genetics
Classification: Uncertain significance. Last evaluated: 2024-01-01. Review status: criteria provided, single submitter. Criteria: Ambry Variant Classification Scheme 2023. Collection method: clinical testing. Allele origin: germline.
Comment: The p.R977H variant (also known as c.2930G>A), located in coding exon 16 of the PALLD gene, results from a G to A substitution at nucleotide position 2930. The arginine at codon 977 is replaced by histidine, an amino acid with highly similar properties. This amino acid position is conserved. In addition, this alteration is predicted to be tolerated by in silico analysis. Since supporting evidence is limited at this time, the clinical significance of this alteration remains unclear.

Labcorp Genetics (formerly Invitae), Labcorp
Classification: Uncertain significance for Pancreatic adenocarcinoma. Last evaluated: 2021-04-28. Review status: criteria provided, single submitter. Criteria: Invitae Variant Classification Sherloc (09022015). Collection method: clinical testing. Allele origin: germline.
Comment: Algorithms developed to predict the effect of missense changes on protein structure and function (SIFT, PolyPhen-2, Align-GVGD) all suggest that this variant is likely to be disruptive, but these predictions have not been confirmed by published functional studies and their clinical significance is uncertain. This variant has not been reported in the literature in individuals with PALLD-related conditions. This variant is not present in population databases (ExAC no frequency). This sequence change replaces arginine with histidine at codon 490 of the PALLD protein (p.Arg490His). The arginine residue is highly conserved and there is a small physicochemical difference between arginine and histidine. In summary, the available evidence is currently insufficient to determine the role of this variant in disease. Therefore, it has been classified as a Variant of Uncertain Significance.